The following is an entry in ClinVar:

NC_000005.10:g.112707412A>G

Gene: APC (APC regulator of Wnt signaling pathway; plus strand). Cytogenetic location: 5q22.2.
Variant type: single nucleotide variant.
Genome position: GRCh38 VCF-style: chr5-112707412-A-G. GRCh37 (hg19) VCF-style: chr5-112043109-A-G.
Identifiers: ClinVar variation 656623 (VCV000656623.9), dbSNP rs1012461653, ClinGen allele CA915943570.
Genomic context (GRCh38, chr5:112,707,412, plus strand): 5'-GAGACTCGGCTGCCTAGGCAGCAATGGCTCACGGGACAGAACAGCGAAGCAGTGCCCGGC[A>G]AGCGGAGCGCAGCACCCATTGCGCCTGCGCATAACAGGCTCTAGTCTCCGGGCTGTGGGA-3'

ClinVar aggregate classification (germline): Uncertain significance (1 of 4 stars; one submission).

Conditions:
Familial adenomatous polyposis 1 (FAP1). Also called: FAMILIAL ADENOMATOUS POLYPOSIS 1, ATTENUATED; POLYPOSIS, ADENOMATOUS INTESTINAL. Identifiers: MedGen C2713442, MONDO:0021056, OMIM 175100. Disease mechanism: loss of function.

Allele frequency attached by ClinVar (database versions not stated): gnomAD exomes below 0.00001.

Submission:

Labcorp Genetics (formerly Invitae), Labcorp
Classification: Uncertain significance for Familial adenomatous polyposis 1. Last evaluated: 2024-07-17. Review status: criteria provided, single submitter. Criteria: Invitae Variant Classification Sherloc (09022015). Collection method: clinical testing. Allele origin: germline.
Comment: This variant occurs in a non-coding region of the APC gene. It does not change the encoded amino acid sequence of the APC protein. This variant is not present in population databases (gnomAD no frequency). This variant has not been reported in the literature in individuals affected with APC-related conditions. ClinVar contains an entry for this variant (Variation ID: 656623). Experimental studies and prediction algorithms are not available or were not evaluated, and the functional significance of this variant is currently unknown. In summary, the available evidence is currently insufficient to determine the role of this variant in disease. Therefore, it has been classified as a Variant of Uncertain Significance.